The following is an entry in ClinVar:

NM_024675.4(PALB2):c.184G>C (p.Asp62His)

Gene: PALB2 (partner and localizer of BRCA2; minus strand). Cytogenetic location: 16p12.2.
Variant type: single nucleotide variant.
Coding change: c.184G>C on transcript NM_024675.4 (MANE Select); coding-DNA position 184, G replaced by C.
Protein change: p.Asp62His; replaces aspartic acid 62 with histidine.
Molecular consequence: missense variant. On other transcripts: 5 prime UTR variant (8), intron variant (3).
Genome position (GRCh38, 1-based): chr16:23,637,877, C>G on the plus strand (G>C on the coding strand, the complement: PALB2 is on the minus strand). VCF-style: chr16-23637877-C-G. GRCh37 (hg19) VCF-style: chr16-23649198-C-G.
Other names: c.124G>C, p.Asp42His (NM_001407296.1); c.184G>C, p.Asp62His (NM_001407297.1, NM_001407298.1, NM_001407299.1 and 3 more transcripts); c.-702G>C (NM_001407304.1, NM_001407305.1, NM_001407306.1 and 5 more transcripts); c.48+3233G>C (NM_001407314.1); c.-105+3233G>C (NM_001407313.1, NM_001407312.1); short protein forms D42H, D62H.
Identifiers: ClinVar variation 4861486 (VCV004861486.1).
Genomic context (GRCh38, chr16:23,637,877, plus strand): 5'-TAAAGCAGGCATAAGTGAATGGTCTAGATTTACCTGAGTGTTTTAGCTGCGGTGAGAGAT[C>G]CTGCTGAGACAAACAATCTTGTTCTTCTACTGTTTTCTTAATAGAATGCTTAATCTTTTC-3'
Protein context (NP_078951.2, residues 52-72): VEEQDCLSQQ[Asp62His]LSPQLKHSEP

ClinVar aggregate classification (germline): Uncertain significance (1 of 4 stars; one submission).

Conditions:
Hereditary cancer-predisposing syndrome. Also called: Neoplastic Syndromes, Hereditary; Tumor predisposition; Hereditary Cancer Syndrome; Hereditary neoplastic syndrome. Identifiers: Orphanet 140162, MedGen C0027672, MeSH D009386, MONDO:0015356.

Submission:

Ambry Genetics
Classification: Uncertain significance for Hereditary cancer-predisposing syndrome. Last evaluated: 2026-04-19. Review status: criteria provided, single submitter. Criteria: Ambry Variant Classification Scheme 2023. Collection method: clinical testing. Allele origin: germline.
Comment: The p.D62H variant (also known as c.184G>C), located in coding exon 3 of the PALB2 gene, results from a G to C substitution at nucleotide position 184. The aspartic acid at codon 62 is replaced by histidine, an amino acid with similar properties. This amino acid position is conserved. In addition, this alteration is predicted to be tolerated by in silico analysis. Based on the available evidence, the clinical significance of this variant remains unclear.